The following is an entry in ClinVar:

NM_003482.4(KMT2D):c.14891G>A (p.Arg4964His)

Gene: KMT2D (lysine methyltransferase 2D; minus strand). Cytogenetic location: 12q13.12.
Variant type: single nucleotide variant.
Coding change: c.14891G>A on transcript NM_003482.4 (MANE Select); coding-DNA position 14891, G replaced by A.
Protein change: p.Arg4964His; replaces arginine 4964 with histidine.
Molecular consequence: missense variant.
Genome position (GRCh38, 1-based): chr12:49,027,075, C>T on the plus strand (G>A on the coding strand, the complement: KMT2D is on the minus strand). VCF-style: chr12-49027075-C-T. GRCh37 (hg19) VCF-style: chr12-49420858-C-T.
Other names: c.14891G>A (NM_003482.3); short protein forms R4964H.
Identifiers: ClinVar variation 1402369 (VCV001402369.10), dbSNP rs777093715, ClinGen allele CA6545645.

ClinVar aggregate classification (germline): Conflicting classifications of pathogenicity. Review status: criteria provided, conflicting classifications (1 of 4 stars). 4 submissions from 4 submitters: Uncertain significance (1); Benign (2); Likely benign (1). Last evaluated 2025-12-29.

Conditions:
KMT2D-related disorder. Also called: KMT2D-Related Disorders.
Kabuki syndrome. Also called: Kabuki make-up syndrome; NIIKAWA-KUROKI SYNDROME. Identifiers: Orphanet 2322, MedGen C0796004, MONDO:0016512.
Kabuki syndrome 1 (KABUK1). Also called: KMT2D-Related Kabuki Syndrome. Identifiers: Orphanet 2322, MedGen CN030661, MONDO:0007843, OMIM 147920.
Choanal atresia-athelia-hypothyroidism-delayed puberty-short stature syndrome (BCAHH). Also called: BRANCHIAL ARCH ABNORMALITIES, CHOANAL ATRESIA, ATHELIA, HEARING LOSS, AND HYPOTHYROIDISM SYNDROME. Identifiers: Orphanet 589856, MedGen C5680310, MONDO:0035651, OMIM 620186.

Allele frequency attached by ClinVar (database versions not stated): gnomAD 0.00001; gnomAD exomes 0.00001 and 0.00002; TOPMed 0.00001; ExAC 0.00002.
gnomAD v4.1: 20 of 1,613,062 alleles (0.0012%); highest among the groups gnomAD compares: South Asian, 0.013%; 1 homozygote.

Submissions (4):

PreventionGenetics, part of Exact Sciences
Classification: Likely benign for KMT2D-related condition. Last evaluated: 2025-12-29. Review status: criteria provided, single submitter. Criteria: ACMG Guidelines, 2015. Collection method: clinical testing. Allele origin: germline.
Comment: This variant is classified as likely benign based on ACMG/AMP sequence variant interpretation guidelines (Richards et al. 2015 PMID: 25741868, with internal and published modifications).

Labcorp Genetics (formerly Invitae), Labcorp
Classification: Benign for Kabuki syndrome. Last evaluated: 2025-12-28. Review status: criteria provided, single submitter. Criteria: Invitae Variant Classification Sherloc (09022015). Collection method: clinical testing. Allele origin: germline.

GeneDx
Classification: Uncertain significance. Last evaluated: 2024-11-08. Review status: criteria provided, single submitter. Criteria: GeneDx Variant Classification Process June 2021. Collection method: clinical testing. Allele origin: germline. Affected: yes.
Comment: In silico analysis supports that this missense variant has a deleterious effect on protein structure/function; Has not been previously reported as pathogenic or benign in association with neurodevelopmental disorders to our knowledge; This variant is associated with the following publications: (PMID: 29445290)

Fulgent Genetics
Classification: Benign for Kabuki syndrome 1; Choanal atresia-athelia-hypothyroidism-delayed puberty-short stature syndrome. Last evaluated: 2024-06-17. Review status: criteria provided, single submitter. Criteria: ACMG Guidelines, 2015. Collection method: clinical testing. Allele origin: germline.